The following is an entry in ClinVar:

NM_001395587.1(PCDH11Y):c.2262G>T (p.Leu754=)

Gene: PCDH11Y (protocadherin 11 Y-linked; plus strand). Cytogenetic location: Yp11.2.
Variant type: single nucleotide variant.
Coding change: c.2262G>T on transcript NM_001395587.1 (MANE Select); coding-DNA position 2262, G replaced by T.
Protein change: p.Leu754=; no amino-acid change (leucine 754 retained).
Molecular consequence: synonymous variant.
Genome position (GRCh38, 1-based): chrY:5,100,116, G>T. VCF-style: chrY-5100116-G-T. GRCh37 (hg19) VCF-style: chrY-4968157-G-T.
Other names: c.2505G>T, p.Leu835= (NM_001278619.2, NM_032971.3); c.2538G>T, p.Leu846= (NM_032972.3, NM_032973.2).
Identifiers: ClinVar variation 2661884 (VCV002661884.24), dbSNP rs2520594333, ClinGen allele CA519727136.

ClinVar aggregate classification (germline): Likely benign (1 of 4 stars; one submission).

Submission:

CeGaT Center for Human Genetics Tuebingen
Classification: Likely benign. Last evaluated: 2022-09-01. Review status: criteria provided, single submitter. Criteria: CeGaT Center For Human Genetics Tuebingen Variant Classification Criteria Version 2. Collection method: clinical testing. Allele origin: germline. Affected: yes. Observed: 1 variant allele.
Comment: PCDH11Y: PM2:Supporting, BP4, BP7